The following is an entry in ClinVar:

ClinVar aggregate classification (germline): Uncertain significance (1 of 4 stars; one submission).

gnomAD v4.1: 1 of 1,614,106 alleles (0.000062%); highest among the groups gnomAD compares: Non-Finnish European, 0.000085%; no homozygotes.

Submission:

GeneDx
Classification: Uncertain significance. Last evaluated: 2021-11-22. Review status: criteria provided, single submitter. Criteria: GeneDx Variant Classification Process June 2021. Collection method: clinical testing. Allele origin: germline. Affected: yes.
Comment: Not observed at significant frequency in large population cohorts (Lek et al., 2016); In silico analysis supports that this missense variant does not alter protein structure/function; Has not been previously published as pathogenic or benign to our knowledge

NM_001148.6(ANK2):c.8603C>T (p.Thr2868Ile)

Gene: ANK2 (ankyrin 2; plus strand). Cytogenetic location: 4q26.
Variant type: single nucleotide variant.
Coding change: c.8603C>T on transcript NM_001148.6 (MANE Select); coding-DNA position 8603, C replaced by T.
Protein change: p.Thr2868Ile; replaces threonine 2868 with isoleucine.
Molecular consequence: missense variant. On other transcripts: intron variant (68).
Genome position (GRCh38, 1-based): chr4:113,357,221, C>T. VCF-style: chr4-113357221-C-T. GRCh37 (hg19) VCF-style: chr4-114278377-C-T.
Other names: c.8369C>T, p.Thr2790Ile (NM_001386142.1); c.5003C>T, p.Thr1668Ile (NM_001386166.1); c.8744C>T, p.Thr2915Ile (NM_001386174.1); c.8720C>T, p.Thr2907Ile (NM_001386175.1); c.4412-3602C>T (NM_001386186.2, NM_001386148.2); c.4214-3602C>T (NM_001354269.3); c.4292-3602C>T (NM_001386187.2); c.4253-3602C>T (NM_001386147.1); and 35 more; short protein forms T1668I, T2790I, T2868I, T2907I, T2915I.
Identifiers: ClinVar variation 1326775 (VCV001326775.2), dbSNP rs2154027304, ClinGen allele CA357934420.